The following is an entry in ClinVar:

NM_001282874.2(SMARCA1):c.2401G>T (p.Glu801Ter)

Gene: SMARCA1 (SNF2 related chromatin remodeling ATPase 1; minus strand). Cytogenetic location: Xq25.
Variant type: single nucleotide variant.
Coding change: c.2401G>T on transcript NM_001282874.2 (MANE Select); coding-DNA position 2401, G replaced by T.
Protein change: p.Glu801Ter; replaces glutamic acid 801 with a stop codon.
Molecular consequence: nonsense.
Genome position (GRCh38, 1-based): chrX:129,480,742, C>A on the plus strand (G>T on the coding strand, the complement: SMARCA1 is on the minus strand). VCF-style: chrX-129480742-C-A. GRCh37 (hg19) VCF-style: chrX-128614719-C-A.
Other names: c.2365G>T, p.Glu789Ter (NM_001282875.2, NM_001378262.1, NM_001378263.1 and 1 more transcripts); c.2401G>T, p.Glu801Ter (NM_001378261.1, NM_003069.5); short protein forms E789*, E801*.
Identifiers: ClinVar variation 3899526 (VCV003899526.1).

ClinVar aggregate classification (germline): Uncertain significance (1 of 4 stars; one submission).

Submission:

GeneDx
Classification: Uncertain significance. Last evaluated: 2023-11-09. Review status: criteria provided, single submitter. Criteria: GeneDx Variant Classification Process June 2021. Collection method: clinical testing. Allele origin: germline. Affected: yes.
Comment: Nonsense variant predicted to result in protein truncation or nonsense mediated decay in a gene or region of a gene for which loss of function is not a well-established mechanism of disease; Not observed at significant frequency in large population cohorts (gnomAD); Has not been previously published as pathogenic or benign to our knowledge; Variants in candidate genes are classified as variants of uncertain significance in accordance with ACMG guidelines (PMID: 25741868)